The following is an entry in ClinVar:

ClinVar aggregate classification (germline): Uncertain significance (1 of 4 stars; one submission).

Conditions:
Emery-Dreifuss muscular dystrophy 4, autosomal dominant (EDMD4). Also called: EMERY-DREIFUSS MUSCULAR DYSTROPHY 4 WITH VARIABLE FEATURES. Identifiers: Orphanet 261, MedGen C2751807, MONDO:0013071, OMIM 612998.
Autosomal recessive ataxia, Beauce type. Also called: SYNE1-Related Autosomal Recessive Cerebellar Ataxia; SYNE1 Deficiency; Spinocerebellar ataxia, autosomal recessive 8; ATAXIA, RECESSIVE, OF BEAUCE. Identifiers: Orphanet 88644, MedGen C1853116, MONDO:0012549, OMIM 610743.

Allele frequency attached by ClinVar (database versions not stated): gnomAD exomes below 0.00001; TOPMed below 0.00001.
gnomAD v4.1: 2 of 1,612,730 alleles (0.00012%); highest among the groups gnomAD compares: Non-Finnish European, 0.00017%; no homozygotes.

Submission:

Labcorp Genetics (formerly Invitae), Labcorp
Classification: Uncertain significance for Emery-Dreifuss muscular dystrophy 4, autosomal dominant; Autosomal recessive ataxia, Beauce type. Last evaluated: 2023-08-04. Review status: criteria provided, single submitter. Criteria: Invitae Variant Classification Sherloc (09022015). Collection method: clinical testing. Allele origin: germline.
Comment: In summary, the available evidence is currently insufficient to determine the role of this variant in disease. Therefore, it has been classified as a Variant of Uncertain Significance. An algorithm developed to predict the effect of missense changes on protein structure and function (PolyPhen-2) suggests that this variant is likely to be tolerated. ClinVar contains an entry for this variant (Variation ID: 1900138). This variant has not been reported in the literature in individuals affected with SYNE1-related conditions. This variant is not present in population databases (gnomAD no frequency). This sequence change replaces methionine, which is neutral and non-polar, with isoleucine, which is neutral and non-polar, at codon 576 of the SYNE1 protein (p.Met576Ile).

NM_182961.4(SYNE1):c.1707G>A (p.Met569Ile)

Gene: SYNE1 (spectrin repeat containing nuclear envelope protein 1; minus strand). Cytogenetic location: 6q25.2.
Variant type: single nucleotide variant.
Coding change: c.1707G>A on transcript NM_182961.4 (MANE Select); coding-DNA position 1707, G replaced by A.
Protein change: p.Met569Ile; replaces methionine 569 with isoleucine.
Molecular consequence: missense variant.
Genome position (GRCh38, 1-based): chr6:152,466,004, C>T on the plus strand (G>A on the coding strand, the complement: SYNE1 is on the minus strand). VCF-style: chr6-152466004-C-T. GRCh37 (hg19) VCF-style: chr6-152787139-C-T.
Other names: c.1728G>A, p.Met576Ile (NM_033071.5); short protein forms M569I, M576I.
Identifiers: ClinVar variation 1900138 (VCV001900138.5), dbSNP rs2098764358, ClinGen allele CA366128573.